The following is an entry in ClinVar:

NM_007194.4(CHEK2):c.1070C>G (p.Ser357Cys)

Gene: CHEK2 (checkpoint kinase 2; minus strand). Cytogenetic location: 22q12.1.
Variant type: single nucleotide variant.
Coding change: c.1070C>G on transcript NM_007194.4 (MANE Select); coding-DNA position 1070, C replaced by G.
Protein change: p.Ser357Cys; replaces serine 357 with cysteine.
Molecular consequence: missense variant. On other transcripts: intron variant (3).
Genome position (GRCh38, 1-based): chr22:28,696,926, G>C on the plus strand (C>G on the coding strand, the complement: CHEK2 is on the minus strand). VCF-style: chr22-28696926-G-C. GRCh37 (hg19) VCF-style: chr22-29092914-G-C.
Other names: c.1102-1053C>G (NM_001438295.1); c.1138-1053C>G (NM_001438294.1); c.1199C>G, p.Ser400Cys (NM_001005735.3); c.407C>G, p.Ser136Cys (NM_001257387.3, NM_001437942.1); c.869C>G, p.Ser290Cys (NM_001349956.3); c.1163C>G, p.Ser388Cys (NM_001438293.1); c.1009-1053C>G (NM_145862.3); short protein forms S136C, S290C, S357C, S400C, S388C.
Identifiers: ClinVar variation 1002924 (VCV001002924.13), dbSNP rs765425451, ClinGen allele CA411097570.

ClinVar aggregate classification (germline): Uncertain significance. Review status: criteria provided, multiple submitters, no conflicts (2 of 4 stars). 3 submissions from 3 submitters: Uncertain significance (3). Last evaluated 2024-07-01.

Conditions:
Hereditary cancer-predisposing syndrome. Also called: Hereditary neoplastic syndrome; Neoplastic Syndromes, Hereditary; Tumor predisposition; Hereditary Cancer Syndrome. Identifiers: Orphanet 140162, MedGen C0027672, MeSH D009386, MONDO:0015356.
Familial cancer of breast. Also called: Hereditary breast cancer; hereditary breast carcinoma; BREAST CANCER, FAMILIAL. Identifiers: Orphanet 227535, MedGen C0346153, MONDO:0016419, OMIM 114480. Disease mechanism: loss of function.

Submissions (3):

Labcorp Genetics (formerly Invitae), Labcorp
Classification: Uncertain significance for Familial cancer of breast. Last evaluated: 2024-07-01. Review status: criteria provided, single submitter. Criteria: Invitae Variant Classification Sherloc (09022015). Collection method: clinical testing. Allele origin: germline.
Comment: This sequence change replaces serine, which is neutral and polar, with cysteine, which is neutral and slightly polar, at codon 357 of the CHEK2 protein (p.Ser357Cys). This variant is not present in population databases (gnomAD no frequency). This variant has not been reported in the literature in individuals affected with CHEK2-related conditions. ClinVar contains an entry for this variant (Variation ID: 1002924). An algorithm developed to predict the effect of missense changes on protein structure and function (PolyPhen-2) suggests that this variant is likely to be disruptive. In summary, the available evidence is currently insufficient to determine the role of this variant in disease. Therefore, it has been classified as a Variant of Uncertain Significance.

GeneDx
Classification: Uncertain significance. Last evaluated: 2023-10-04. Review status: criteria provided, single submitter. Criteria: GeneDx Variant Classification Process June 2021. Collection method: clinical testing. Allele origin: germline. Affected: yes.
Comment: Not observed at significant frequency in large population cohorts (gnomAD); In silico analysis supports that this missense variant has a deleterious effect on protein structure/function; Has not been previously published as pathogenic or benign to our knowledge; This variant is associated with the following publications: (PMID: 22419737, 19782031)

Ambry Genetics
Classification: Uncertain significance for Hereditary cancer-predisposing syndrome. Last evaluated: 2021-07-03. Review status: criteria provided, single submitter. Criteria: Ambry Variant Classification Scheme 2023. Collection method: clinical testing. Allele origin: germline.
Comment: The p.S357C variant (also known as c.1070C>G), located in coding exon 9 of the CHEK2 gene, results from a C to G substitution at nucleotide position 1070. The serine at codon 357 is replaced by cysteine, an amino acid with dissimilar properties. This amino acid position is conserved. In addition, the in silico prediction for this alteration is inconclusive. Since supporting evidence is limited at this time, the clinical significance of this alteration remains unclear.